The following is an entry in ClinVar:

ClinVar aggregate classification (germline): Uncertain significance (1 of 4 stars; one submission).

Conditions:
Cardiovascular phenotype. Identifiers: MedGen CN230736.

Submission:

Ambry Genetics
Classification: Uncertain significance for Cardiovascular phenotype. Last evaluated: 2024-05-19. Review status: criteria provided, single submitter. Criteria: Ambry Variant Classification Scheme 2023. Collection method: clinical testing. Allele origin: germline.
Comment: The p.E144K variant (also known as c.430G>A), located in coding exon 4 of the EPHB4 gene, results from a G to A substitution at nucleotide position 430. The glutamic acid at codon 144 is replaced by lysine, an amino acid with similar properties. This amino acid position is conserved. In addition, this alteration is predicted to be tolerated by in silico analysis. Based on the available evidence, the clinical significance of this variant remains unclear.

NM_004444.5(EPHB4):c.430G>A (p.Glu144Lys)

Gene: EPHB4 (EPH receptor B4; minus strand). Cytogenetic location: 7q22.1.
Variant type: single nucleotide variant.
Coding change: c.430G>A on transcript NM_004444.5 (MANE Select); coding-DNA position 430, G replaced by A.
Protein change: p.Glu144Lys; replaces glutamic acid 144 with lysine.
Molecular consequence: missense variant.
Genome position (GRCh38, 1-based): chr7:100,822,649, C>T on the plus strand (G>A on the coding strand, the complement: EPHB4 is on the minus strand). VCF-style: chr7-100822649-C-T. GRCh37 (hg19) VCF-style: chr7-100420271-C-T.
Other names: short protein forms E144K.
Identifiers: ClinVar variation 3275987 (VCV003275987.1).